The following is an entry in ClinVar:

NM_000268.4(NF2):c.758A>G (p.Lys253Arg)

Gene: NF2 (NF2, moesin-ezrin-radixin like (MERLIN) tumor suppressor; plus strand). Cytogenetic location: 22q12.2.
Variant type: single nucleotide variant.
Coding change: c.758A>G on transcript NM_000268.4 (MANE Select); coding-DNA position 758, A replaced by G.
Protein change: p.Lys253Arg; replaces lysine 253 with arginine.
Molecular consequence: missense variant. On other transcripts: non-coding transcript variant (1), intron variant (1).
Genome position (GRCh38, 1-based): chr22:29,661,287, A>G. VCF-style: chr22-29661287-A-G. GRCh37 (hg19) VCF-style: chr22-30057276-A-G.
Other names: c.758A>G, p.Lys253Arg (NM_016418.5, NM_181825.3, NM_181832.3); c.632A>G, p.Lys211Arg (NM_181828.3); c.635A>G, p.Lys212Arg (NM_181829.3); c.509A>G, p.Lys170Arg (NM_181830.3, NM_181831.3); c.447+19002A>G (NM_181833.3); short protein forms K253R, K170R, K212R, K211R.
Identifiers: ClinVar variation 572458 (VCV000572458.11), dbSNP rs773573049, ClinGen allele CA035009.

ClinVar aggregate classification (germline): Uncertain significance. Review status: criteria provided, multiple submitters, no conflicts (2 of 4 stars). 2 submissions from 2 submitters: Uncertain significance (2). Last evaluated 2023-10-17.

Conditions:
Hereditary cancer-predisposing syndrome. Also called: Tumor predisposition; Neoplastic Syndromes, Hereditary; Hereditary neoplastic syndrome; Hereditary Cancer Syndrome. Identifiers: Orphanet 140162, MedGen C0027672, MeSH D009386, MONDO:0015356.
Neurofibromatosis, type 2 (SWNV). Also called: NF2-Related Schwannomatosis; BILATERAL ACOUSTIC NEUROFIBROMATOSIS; SCHWANNOMATOSIS, VESTIBULAR. Identifiers: Orphanet 637, MedGen C0027832, MONDO:0007039, OMIM 101000. Disease mechanism: loss of function.

Allele frequency attached by ClinVar (database versions not stated): gnomAD exomes below 0.00001; ExAC 0.00001; gnomAD 0.00001; TOPMed 0.00001.
gnomAD v4.1: 4 of 1,614,126 alleles (0.00025%); highest among the groups gnomAD compares: Non-Finnish European, 0.00034%; no homozygotes.

Submissions (2):

Labcorp Genetics (formerly Invitae), Labcorp
Classification: Uncertain significance for Neurofibromatosis, type 2. Last evaluated: 2023-10-17. Review status: criteria provided, single submitter. Criteria: Invitae Variant Classification Sherloc (09022015). Collection method: clinical testing. Allele origin: germline.
Comment: This sequence change replaces lysine, which is basic and polar, with arginine, which is basic and polar, at codon 253 of the NF2 protein (p.Lys253Arg). This variant is present in population databases (rs773573049, gnomAD 0.0009%). This variant has not been reported in the literature in individuals affected with NF2-related conditions. ClinVar contains an entry for this variant (Variation ID: 572458). Advanced modeling of protein sequence and biophysical properties (such as structural, functional, and spatial information, amino acid conservation, physicochemical variation, residue mobility, and thermodynamic stability) performed at Invitae indicates that this missense variant is not expected to disrupt NF2 protein function. In summary, the available evidence is currently insufficient to determine the role of this variant in disease. Therefore, it has been classified as a Variant of Uncertain Significance.

Ambry Genetics
Classification: Uncertain significance for Hereditary cancer-predisposing syndrome. Last evaluated: 2022-05-24. Review status: criteria provided, single submitter. Criteria: Ambry Variant Classification Scheme 2023. Collection method: clinical testing. Allele origin: germline.
Comment: The p.K253R variant (also known as c.758A>G), located in coding exon 8 of the NF2 gene, results from an A to G substitution at nucleotide position 758. The lysine at codon 253 is replaced by arginine, an amino acid with highly similar properties. This amino acid position is conserved. In addition, the in silico prediction for this alteration is inconclusive. Since supporting evidence is limited at this time, the clinical significance of this alteration remains unclear.